The following is an entry in ClinVar:

NM_022042.4(SLC26A1):c.1364G>A (p.Arg455His)

Genes: IDUA (alpha-L-iduronidase; plus strand), SLC26A1 (solute carrier family 26 member 1; minus strand). Cytogenetic location: 4p16.3.
Variant type: single nucleotide variant.
Coding change: c.1364G>A on transcript NM_022042.4 (MANE Select); coding-DNA position 1364, G replaced by A.
Protein change: p.Arg455His; replaces arginine 455 with histidine.
Molecular consequence: missense variant. On other transcripts: intron variant (2).
Genome position (GRCh38, 1-based): chr4:989,575, C>T on the plus strand (G>A on the coding strand, the complement: SLC26A1 is on the minus strand). VCF-style: chr4-989575-C-T. GRCh37 (hg19) VCF-style: chr4-983363-C-T.
Other names: c.1364G>A, p.Arg455His (NM_213613.4); c.576+1553G>A (NM_134425.4); c.299+1626C>T (NM_000203.5); short protein forms R455H.
Identifiers: ClinVar variation 1044954 (VCV001044954.8), dbSNP rs371025483, ClinGen allele CA2801395.
Genomic context (GRCh38, chr4:989,575, plus strand): 5'-GCCCAGACCAGCGCGTCAGCCGGGCTCATCCGCCACAGCCGCGGGAGGTCCCACACCTTG[C>T]GCAGGGCCCCCCGCAGGCTGACCACGATGACGCAGGCCAGCACGCTTCGCTGTAGGTCGT-3'
Protein context (NP_071325.2, residues 445-465): VIVVSLRGAL[Arg455His]KVWDLPRLWR

ClinVar aggregate classification (germline): Uncertain significance (1 of 4 stars; one submission).

Allele frequency attached by ClinVar (database versions not stated): TOPMed 0.00001; ESP Exome Variant Server 0.00008.
gnomAD v4.1: 21 of 1,594,002 alleles (0.0013%); highest among the groups gnomAD compares: Middle Eastern, 0.017%; no homozygotes.

Submission:

Labcorp Genetics (formerly Invitae), Labcorp
Classification: Uncertain significance. Last evaluated: 2020-08-20. Review status: criteria provided, single submitter. Criteria: Invitae Variant Classification Sherloc (09022015). Collection method: clinical testing. Allele origin: germline.
Comment: In summary, the available evidence is currently insufficient to determine the role of this variant in disease. Therefore, it has been classified as a Variant of Uncertain Significance. Algorithms developed to predict the effect of missense changes on protein structure and function are either unavailable or do not agree on the potential impact of this missense change (SIFT: "Deleterious"; PolyPhen-2: "Probably Damaging"; Align-GVGD: "Class C0"). This variant has not been reported in the literature in individuals with SLC26A1-related conditions. This variant is present in population databases (rs371025483, ExAC 0.006%). This sequence change replaces arginine with histidine at codon 455 of the SLC26A1 protein (p.Arg455His). The arginine residue is highly conserved and there is a small physicochemical difference between arginine and histidine.